The following is an entry in ClinVar:

NM_000057.4(BLM):c.782A>G (p.His261Arg)

Gene: BLM (BLM RecQ like helicase; plus strand). Cytogenetic location: 15q26.1.
Variant type: single nucleotide variant.
Coding change: c.782A>G on transcript NM_000057.4 (MANE Select); coding-DNA position 782, A replaced by G.
Protein change: p.His261Arg; replaces histidine 261 with arginine.
Molecular consequence: missense variant. On other transcripts: 5 prime UTR variant (1).
Genome position (GRCh38, 1-based): chr15:90,750,050, A>G. VCF-style: chr15-90750050-A-G. GRCh37 (hg19) VCF-style: chr15-91293280-A-G.
Other names: c.782A>G, p.His261Arg (NM_001287246.2, NM_001287247.2); c.-510A>G (NM_001287248.2); short protein forms H261R.
Identifiers: ClinVar variation 454164 (VCV000454164.7), dbSNP rs763166861, ClinGen allele CA274728625.
Genomic context (GRCh38, chr15:90,750,050, plus strand): 5'-GCCCCATTGCTGAAGTGCATATAAATGAAGATGCTCAGGAAAGTGACTCTCTGAAAACTC[A>G]TTTGGAAGATGAAAGAGGTAACAATTATTTTATCTTCATTTTAGTATGTTCATTGTACTT-3'
Protein context (NP_000048.1, residues 251-271): DAQESDSLKT[His261Arg]LEDERDNSEK

ClinVar aggregate classification (germline): Uncertain significance. Review status: criteria provided, single submitter (1 of 4 stars). 2 submissions from 2 submitters: Uncertain significance (1). 1 of the submissions does not count toward it. Last evaluated 2021-08-30.

Conditions:
Bloom syndrome (BLM). Also called: Bloom-Torre-Machacek syndrome. Identifiers: Orphanet 125, MedGen C0005859, MONDO:0008876, OMIM 210900.

Submissions (2):

Labcorp Genetics (formerly Invitae), Labcorp
Classification: Uncertain significance for Bloom syndrome. Last evaluated: 2021-08-30. Review status: criteria provided, single submitter. Criteria: Invitae Variant Classification Sherloc (09022015). Collection method: clinical testing. Allele origin: germline.
Comment: This sequence change replaces histidine with arginine at codon 261 of the BLM protein (p.His261Arg). The histidine residue is weakly conserved and there is a small physicochemical difference between histidine and arginine. This variant is not present in population databases (ExAC no frequency). This variant has not been reported in the literature in individuals affected with BLM-related conditions. Algorithms developed to predict the effect of missense changes on protein structure and function output the following: SIFT: "Tolerated"; PolyPhen-2: "Benign"; Align-GVGD: "Class C0". The arginine amino acid residue is found in multiple mammalian species, which suggests that this missense change does not adversely affect protein function. In summary, the available evidence is currently insufficient to determine the role of this variant in disease. Therefore, it has been classified as a Variant of Uncertain Significance.

Natera, Inc.
Classification: Uncertain significance for Bloom syndrome. Last evaluated: 2020-09-16. Review status: no assertion criteria provided. Collection method: clinical testing. Allele origin: germline. Not counted in ClinVar's aggregate classification.